The following is an entry in ClinVar:

NM_005104.4(BRD2):c.1579-6C>T

Gene: BRD2 (bromodomain containing 2; plus strand). Cytogenetic location: 6p21.32.
Variant type: single nucleotide variant.
Coding change: c.1579-6C>T on transcript NM_005104.4 (MANE Select); 6 bases into the intron before coding-DNA position 1579, C replaced by T.
Molecular consequence: intron variant.
Genome position (GRCh38, 1-based): chr6:32,978,120, C>T. VCF-style: chr6-32978120-C-T. GRCh37 (hg19) VCF-style: chr6-32945897-C-T.
Other names: c.1219-6C>T (NM_001291986.2); c.1579-6C>T (NM_001113182.3, NM_001199455.1); c.1438-6C>T (NM_001199456.2).
Identifiers: ClinVar variation 2656479 (VCV002656479.24), dbSNP rs371813541, ClinGen allele CA3748625.
Genomic context (GRCh38, chr6:32,978,120, plus strand): 5'-CTCATTTTTTCTTCTTGTTATTTTATCTTTATTTACTTTTTCCACTTCATGTTTTTTTTC[C>T]TTTAGCTTCGGGCAGTACATGAACAACTGGCTGCTCTGTCCCAGGGTCCAATATCCAAGC-3'

ClinVar aggregate classification (germline): Likely benign (1 of 4 stars; one submission).

Allele frequency attached by ClinVar (database versions not stated): 1000 Genomes Project 30x 0.00047; 1000 Genomes Project 0.00060; ESP Exome Variant Server 0.00083.
gnomAD v4.1: 263 of 1,590,566 alleles (0.017%); highest among the groups gnomAD compares: African/African-American, 0.19%; no homozygotes.

Submission:

CeGaT Center for Human Genetics Tuebingen
Classification: Likely benign. Last evaluated: 2022-05-01. Review status: criteria provided, single submitter. Criteria: CeGaT Center For Human Genetics Tuebingen Variant Classification Criteria Version 2. Collection method: clinical testing. Allele origin: germline. Affected: yes. Observed: 1 variant allele.
Comment: BRD2: BP4